The following is an entry in ClinVar:

ClinVar aggregate classification (germline): Uncertain significance (1 of 4 stars; one submission).

Allele frequency attached by ClinVar (database versions not stated): gnomAD 0.00001 and 0.00002; TOPMed 0.00001; gnomAD exomes 0.00002; ExAC 0.00003.

Submission:

Labcorp Genetics (formerly Invitae), Labcorp
Classification: Uncertain significance. Last evaluated: 2021-12-02. Review status: criteria provided, single submitter. Criteria: Invitae Variant Classification Sherloc (09022015). Collection method: clinical testing. Allele origin: germline.
Comment: In summary, the available evidence is currently insufficient to determine the role of this variant in disease. Therefore, it has been classified as a Variant of Uncertain Significance. Algorithms developed to predict the effect of missense changes on protein structure and function (SIFT, PolyPhen-2, Align-GVGD) all suggest that this variant is likely to be disruptive. This variant has not been reported in the literature in individuals affected with CHMP1A-related conditions. This variant is present in population databases (rs754395235, gnomAD 0.003%). This sequence change replaces alanine, which is neutral and non-polar, with threonine, which is neutral and polar, at codon 52 of the CHMP1A protein (p.Ala52Thr).

NM_002768.5(CHMP1A):c.154G>A (p.Ala52Thr)

Gene: CHMP1A (charged multivesicular body protein 1A; minus strand). Cytogenetic location: 16q24.3.
Variant type: single nucleotide variant.
Coding change: c.154G>A on transcript NM_002768.5 (MANE Select); coding-DNA position 154, G replaced by A.
Protein change: p.Ala52Thr; replaces alanine 52 with threonine.
Molecular consequence: missense variant. On other transcripts: non-coding transcript variant (1).
Genome position (GRCh38, 1-based): chr16:89,649,449, C>T on the plus strand (G>A on the coding strand, the complement: CHMP1A is on the minus strand). VCF-style: chr16-89649449-C-T. GRCh37 (hg19) VCF-style: chr16-89715857-C-T.
Other names: c.134G>A, p.Arg45His (NM_001083314.4); short protein forms R45H, A52T.
Identifiers: ClinVar variation 1521689 (VCV001521689.7), dbSNP rs754395235, ClinGen allele CA8247124.
Genomic context (GRCh38, chr16:89,649,449, plus strand): 5'-CTGCGTCTACGCGGGACGCCATCCGAAGCCAGTTCACACCTTCGTTCTTCTTGCGGATGG[C>T]GTTCTCGGCATACACACGGGCACACTCTACATTTTTCTGCAGAAGGGCCTGAAACCCGCG-3'
Protein context (NP_002759.2, residues 42-62): VECARVYAEN[Ala52Thr]IRKKNEGVNW